The following is an entry in ClinVar:

ClinVar aggregate classification (germline): Uncertain significance (1 of 4 stars; one submission).

Submission:

GeneDx
Classification: Uncertain significance. Last evaluated: 2026-01-25. Review status: criteria provided, single submitter. Criteria: GeneDx Variant Classification Process June 2021. Collection method: clinical testing. Allele origin: germline.
Comment: Frameshift variant predicted to result in protein truncation or nonsense mediated decay in a gene or region of a gene for which loss of function is not a well-established mechanism of disease; Has not been previously published as pathogenic or benign to our knowledge; Not observed at significant frequency in large population cohorts (gnomAD)

NM_001367871.1(FBRSL1):c.515del (p.Gly172fs)

Gene: FBRSL1 (fibrosin like 1; plus strand). Cytogenetic location: 12q24.33.
Variant type: Deletion.
Coding change: c.515del on transcript NM_001367871.1 (MANE Select); coding-DNA position 515, one base deleted (G; older notation c.515delG).
Protein change: p.Gly172fs; shifts the reading frame from glycine 172.
Molecular consequence: frameshift variant.
Genome position (GRCh38, 1-based): chr12:132,525,759, G deleted; the last of 5 consecutive G bases (chr12:132,525,755-132,525,759); deleting any one gives the same sequence. VCF-style (leftmost placement, unchanged base first): chr12-132525754-AG-A. GRCh37 (hg19) VCF-style: chr12-133102340-AG-A.
Other names: c.515del, p.Gly172fs (NM_001142641.2, NM_001382739.1, NM_001382740.1 and 1 more transcripts); short protein forms G172fs.
Identifiers: ClinVar variation 4975672 (VCV004975672.1).
Genomic context (GRCh38, chr12:132,525,754, plus strand): 5'-GGTGGGGGTTTGCCTGAGACAGTGTCTCTCTCTGTCCCAGATGAAGGTCACCGTGTCCAA[AG>A]GGGGCGACCGGGACAGTGACGACGACAGCGTCCTCGAAGCCACCAGCTCCCGGGACCCGC-3'